The following is an entry in ClinVar:

NM_007294.4(BRCA1):c.5549T>A (p.Leu1850Gln)

Gene: BRCA1 (BRCA1 DNA repair associated; minus strand). Cytogenetic location: 17q21.31.
Variant type: single nucleotide variant.
Coding change: c.5549T>A on transcript NM_007294.4 (MANE Select); coding-DNA position 5549, T replaced by A.
Protein change: p.Leu1850Gln; replaces leucine 1850 with glutamine.
Molecular consequence: missense variant. On other transcripts: 3 prime UTR variant (1), non-coding transcript variant (1).
Genome position (GRCh38, 1-based): chr17:43,045,721, A>T on the plus strand (T>A on the coding strand, the complement: BRCA1 is on the minus strand). VCF-style: chr17-43045721-A-T. GRCh37 (hg19) VCF-style: chr17-41197738-A-T.
Other names: c.5336T>A, p.Leu1779Gln (NM_001407571.1, NM_001407894.1, NM_001407895.1 and 12 more transcripts); c.5615T>A, p.Leu1872Gln (NM_001407581.1, NM_001407582.1); c.5612T>A, p.Leu1871Gln (NM_001407583.1, NM_001407585.1, NM_001407587.1 and 1 more transcripts); c.5609T>A, p.Leu1870Gln (NM_001407590.1, NM_001407591.1); c.5549T>A, p.Leu1850Gln (NM_001407593.1, NM_001407594.1, NM_001407596.1 and 5 more transcripts); c.5546T>A, p.Leu1849Gln (NM_001407610.1, NM_001407611.1, NM_001407612.1 and 14 more transcripts); c.5543T>A, p.Leu1848Gln (NM_001407627.1, NM_001407628.1, NM_001407629.1 and 13 more transcripts); c.5540T>A, p.Leu1847Gln (NM_001407644.1, NM_001407645.1); and 74 more; short protein forms L746Q, L1850Q, L1871Q, L1803Q, L1553Q, L1554Q, L1721Q, L1766Q.
Identifiers: ClinVar variation 867652 (VCV000867652.3), dbSNP rs2050863562, ClinGen allele CA10590223.
Genomic context (GRCh38, chr17:43,045,721, plus strand): 5'-CCTGTGGCTGGCTGCAGTCAGTAGTGGCTGTGGGGGATCTGGGGTATCAGGTAGGTGTCC[A>T]GCTCCTGGCACTGGTAGAGTGCTACACTGTCCAACACCCACTCTCGGGTCACCACAGGTG-3'
Protein context (NP_009225.1, residues 1840-1860): DSVALYQCQE[Leu1850Gln]DTYLIPQIPH

Conditions:
Breast-ovarian cancer, familial, susceptibility to, 1 (BROVCA1). Also called: BRCA1 Hereditary Breast and Ovarian Cancer; OVARIAN CANCER, SUSCEPTIBILITY TO. Identifiers: Orphanet 145, MedGen C2676676, MONDO:0011450, OMIM 604370. Disease mechanism: loss of function.

Submission:

Brotman Baty Institute, University of Washington
No classification provided (evidence only). Condition: Breast-ovarian cancer, familial 1. Review status: no classification provided. Collection method: in vitro. Allele origin: not applicable. Functional consequence: functionally_normal.
ClinVar note: "not provided" was previously submitted as the classification for the variant. However, the classification appeared to be based only on an observation of functional data so it was converted to no classification on 2025-07-30.